The following is an entry in ClinVar:

ClinVar aggregate classification (germline): Uncertain significance (1 of 4 stars; one submission).

Submission:

Women's Health and Genetics/Laboratory Corporation of America, LabCorp
Classification: Uncertain significance. Last evaluated: 2024-07-23. Review status: criteria provided, single submitter. Criteria: LabCorp Variant Classification Summary - May 2015. Collection method: clinical testing. Allele origin: germline.
Comment: Variant summary: ATAD3B c.907-2A>G is located in a canonical splice-site and is predicted to affect mRNA splicing resulting in a significantly altered protein due to either exon skipping, shortening, or inclusion of intronic material. However current evidence is insufficient to establish whether loss of function variants in ATADB cause disease. Several computational tools predict a significant impact on normal splicing: Four predict the variant abolishes a 3' acceptor site. One predicts the variant creates a 3' acceptor site. However, these predictions have yet to be confirmed by functional studies. The variant allele was found at a frequency of 5.6e-05 in 248928 control chromosomes. This frequency is not significantly higher than estimated for a pathogenic variant in ATAD3B causing ATAD3B-Related Disorders, allowing no conclusion about variant significance. To our knowledge, no occurrence of c.907-2A>G in individuals affected with ATAD3B-Related Disorders and no experimental evidence demonstrating its impact on protein function have been reported. No submitters have cited clinical-significance assessments for this variant to ClinVar. Based on the evidence outlined above, the variant was classified as uncertain significance.

NM_031921.6(ATAD3B):c.907-2A>G

Gene: ATAD3B (ATPase family AAA domain containing 3B; plus strand). Cytogenetic location: 1p36.33.
Variant type: single nucleotide variant.
Coding change: c.907-2A>G on transcript NM_031921.6 (MANE Select); the canonical splice acceptor site of the intron before coding-DNA position 907, A replaced by G.
Molecular consequence: splice acceptor variant.
Genome position (GRCh38, 1-based): chr1:1,485,780, A>G. VCF-style: chr1-1485780-A-G. GRCh37 (hg19) VCF-style: chr1-1421160-A-G.
Other names: c.769-2A>G (NM_001317238.2).
Identifiers: ClinVar variation 3339389 (VCV003339389.1).